The following is an entry in ClinVar:

NM_000059.4(BRCA2):c.3449C>T (p.Thr1150Ile)

Gene: BRCA2 (BRCA2 DNA repair associated; plus strand). Cytogenetic location: 13q13.1.
Variant type: single nucleotide variant.
Coding change: c.3449C>T on transcript NM_000059.4 (MANE Select); coding-DNA position 3449, C replaced by T.
Protein change: p.Thr1150Ile; replaces threonine 1150 with isoleucine.
Molecular consequence: missense variant.
Genome position (GRCh38, 1-based): chr13:32,337,804, C>T. VCF-style: chr13-32337804-C-T. GRCh37 (hg19) VCF-style: chr13-32911941-C-T.
Other names: c.3449C>T (NM_000059.3); short protein forms T1150I.
Identifiers: ClinVar variation 1049525 (VCV001049525.8), dbSNP rs730881524, ClinGen allele CA387776675.

ClinVar aggregate classification (germline): Conflicting classifications of pathogenicity. Review status: criteria provided, conflicting classifications (1 of 4 stars). 4 submissions from 4 submitters: Uncertain significance (2); Likely benign (1). 1 of the submissions does not count toward it. Last evaluated 2026-03-06.

Conditions:
Hereditary cancer-predisposing syndrome. Also called: Hereditary Cancer Syndrome; Neoplastic Syndromes, Hereditary; Tumor predisposition; Hereditary neoplastic syndrome. Identifiers: Orphanet 140162, MedGen C0027672, MeSH D009386, MONDO:0015356.
Hereditary breast ovarian cancer syndrome. Also called: Breast and ovarian cancer; Hereditary breast and ovarian cancer; Hereditary breast and ovarian cancer syndrome (HBOC); BRCA1- and BRCA2-Associated Hereditary Breast and Ovarian Cancer; Hereditary breast and ovarian cancer syndrome; Hereditary breast and/or ovarian cancer syndrome. Identifiers: Orphanet 145, MedGen C0677776, MeSH D061325, MONDO:0003582. Disease mechanism: loss of function.

Submissions (4):

Ambry Genetics
Classification: Uncertain significance for Hereditary cancer-predisposing syndrome. Last evaluated: 2026-03-06. Review status: criteria provided, single submitter. Criteria: Ambry Variant Classification Scheme 2023. Collection method: clinical testing. Allele origin: germline.
Comment: The p.T1150I variant (also known as c.3449C>T), located in coding exon 10 of the BRCA2 gene, results from a C to T substitution at nucleotide position 3449. The threonine at codon 1150 is replaced by isoleucine, an amino acid with similar properties. This amino acid position is conserved. In addition, this alteration is predicted to be tolerated by in silico analysis. Based on the available evidence, the clinical significance of this variant remains unclear.

University of Washington Department of Laboratory Medicine, University of Washington
Classification: Likely benign for Hereditary cancer-predisposing syndrome. Last evaluated: 2023-03-23. Review status: criteria provided, single submitter. Criteria: Dines et al. (Genet Med. 2020). Collection method: curation. Allele origin: germline.
Comment: Missense variant in a coldspot region where missense variants are very unlikely to be pathogenic (PMID:31911673).

BRCA2 exon 11 coldspot. Reclassification based on statistical prior probability.

Labcorp Genetics (formerly Invitae), Labcorp
Classification: Uncertain significance for Hereditary breast ovarian cancer syndrome. Last evaluated: 2022-02-11. Review status: criteria provided, single submitter. Criteria: Invitae Variant Classification Sherloc (09022015). Collection method: clinical testing. Allele origin: germline.
Comment: In summary, the available evidence is currently insufficient to determine the role of this variant in disease. Therefore, it has been classified as a Variant of Uncertain Significance. Advanced modeling of protein sequence and biophysical properties (such as structural, functional, and spatial information, amino acid conservation, physicochemical variation, residue mobility, and thermodynamic stability) performed at Invitae indicates that this missense variant is not expected to disrupt BRCA2 protein function. ClinVar contains an entry for this variant (Variation ID: 1049525). This variant has not been reported in the literature in individuals affected with BRCA2-related conditions. This variant is not present in population databases (gnomAD no frequency). This sequence change replaces threonine, which is neutral and polar, with isoleucine, which is neutral and non-polar, at codon 1150 of the BRCA2 protein (p.Thr1150Ile).

Department of Pathology and Laboratory Medicine, Sinai Health System
Classification: Uncertain significance. Review status: no assertion criteria provided. Collection method: clinical testing. Allele origin: unknown. Affected: yes. Study: The Canadian Open Genetics Repository (COGR). Not counted in ClinVar's aggregate classification.
Comment: The BRCA2 p.Thr1150Ile variant was not identified in the literature nor was it identified in the dbSNP, ClinVar, LOVD 3.0 or in the UMD-LSDB databases. It was not identified in the following control databases: the Exome Aggregation Consortium (August 8th 2016), or the Genome Aggregation Database (Feb 27, 2017). The p.Thr1150Ile residue is not conserved in mammals and four out of five computational analyses (PolyPhen-2, SIFT, AlignGVGD, BLOSUM, MutationTaster) do not suggest a high likelihood of impact to the protein; however, this information is not predictive enough to rule out pathogenicity. The variant occurs outside of the splicing consensus sequence and in silico or computational prediction software programs (SpliceSiteFinder, MaxEntScan, NNSPLICE, GeneSplicer) do not predict a difference in splicing. In summary, based on the above information the clinical significance of this variant cannot be determined with certainty at this time. This variant is classified as a variant of uncertain significance.